The following is an entry in ClinVar:

ClinVar aggregate classification (germline): Uncertain significance (1 of 4 stars; one submission).

gnomAD v4.1: 11 of 1,613,936 alleles (0.00068%); highest among the groups gnomAD compares: Non-Finnish European, 0.00093%; no homozygotes.

Submission:

Labcorp Genetics (formerly Invitae), Labcorp
Classification: Uncertain significance. Last evaluated: 2025-03-10. Review status: criteria provided, single submitter. Criteria: Invitae Variant Classification Sherloc (09022015). Collection method: clinical testing. Allele origin: germline.
Comment: This sequence change replaces isoleucine, which is neutral and non-polar, with valine, which is neutral and non-polar, at codon 376 of the COX10 protein (p.Ile376Val). This variant is present in population databases (rs147675776, gnomAD 0.004%). This variant has not been reported in the literature in individuals affected with COX10-related conditions. Invitae Evidence Modeling of protein sequence and biophysical properties (such as structural, functional, and spatial information, amino acid conservation, physicochemical variation, residue mobility, and thermodynamic stability) indicates that this missense variant is not expected to disrupt COX10 protein function with a negative predictive value of 80%. In summary, the available evidence is currently insufficient to determine the role of this variant in disease. Therefore, it has been classified as a Variant of Uncertain Significance.

NM_001303.4(COX10):c.1126A>G (p.Ile376Val)

Gene: COX10 (cytochrome c oxidase assembly factor heme A:farnesyltransferase COX10; plus strand). Cytogenetic location: 17p12.
Variant type: single nucleotide variant.
Coding change: c.1126A>G on transcript NM_001303.4 (MANE Select); coding-DNA position 1126, A replaced by G.
Protein change: p.Ile376Val; replaces isoleucine 376 with valine.
Molecular consequence: missense variant.
Genome position (GRCh38, 1-based): chr17:14,207,007, A>G. VCF-style: chr17-14207007-A-G. GRCh37 (hg19) VCF-style: chr17-14110324-A-G.
Other names: short protein forms I376V.
Identifiers: ClinVar variation 4752647 (VCV004752647.1).
Genomic context (GRCh38, chr17:14,207,007, plus strand): 5'-GTGGCGCTGCGCCACTGCCTGGCCCTGCTCGTGCTGTCCGCAGCAGCCCCTGTGCTGGAC[A>G]TCACCACATGGACCTTCCCCATCATGGCCCTTCCCATCAATGCGTACATCTCCTACCTCG-3'
Protein context (NP_001294.2, residues 366-386): VLSAAAPVLD[Ile376Val]TTWTFPIMAL